The following is an entry in ClinVar:

NM_001270974.2(HYDIN):c.14658+5G>A

Gene: HYDIN (HYDIN axonemal central pair apparatus protein; minus strand). Cytogenetic location: 16q22.2.
Variant type: single nucleotide variant.
Coding change: c.14658+5G>A on transcript NM_001270974.2 (MANE Select); 5 bases into the intron after coding-DNA position 14658, G replaced by A.
Molecular consequence: intron variant.
Genome position (GRCh38, 1-based): chr16:70,818,337, C>T on the plus strand (G>A on the coding strand, the complement: HYDIN is on the minus strand). VCF-style: chr16-70818337-C-T. GRCh37 (hg19) VCF-style: chr16-70852240-C-T.
Identifiers: ClinVar variation 1031946 (VCV001031946.1), dbSNP rs192176702, ClinGen allele CA8148406.

ClinVar aggregate classification (germline): Uncertain significance (1 of 4 stars; one submission).

Conditions:
Primary ciliary dyskinesia 5. Also called: CILIARY DYSKINESIA, PRIMARY, 5, WITHOUT SITUS INVERSUS. Identifiers: Orphanet 244, MedGen C1837615, MONDO:0012088, OMIM 608647.

Allele frequency attached by ClinVar (database versions not stated): ESP Exome Variant Server 0.00025; gnomAD 0.00029; gnomAD exomes 0.00029 and 0.00044; TOPMed 0.00034; ExAC 0.00044; 1000 Genomes Project 30x 0.00047; 1000 Genomes Project 0.00060.
gnomAD v4.1: 686 of 1,609,250 alleles (0.043%); highest among the groups gnomAD compares: Non-Finnish European, 0.052%; no homozygotes.

Submission:

Baylor Genetics
Classification: Uncertain significance for Primary ciliary dyskinesia 5. Last evaluated: 2018-11-15. Review status: criteria provided, single submitter. Criteria: ACMG Guidelines, 2015. Collection method: clinical testing. Allele origin: paternal. Affected: yes.
Comment: This variant was determined to be of uncertain significance according to ACMG Guidelines, 2015 [PMID:25741868].